The following is an entry in ClinVar:

NM_000540.3(RYR1):c.12624+21G>A

Gene: RYR1 (ryanodine receptor 1; plus strand). Cytogenetic location: 19q13.2.
Variant type: single nucleotide variant.
Coding change: c.12624+21G>A on transcript NM_000540.3 (MANE Select); 21 bases into the intron after coding-DNA position 12624, G replaced by A.
Molecular consequence: intron variant.
Genome position (GRCh38, 1-based): chr19:38,561,475, G>A. VCF-style: chr19-38561475-G-A. GRCh37 (hg19) VCF-style: chr19-39052115-G-A.
Other names: c.12609+21G>A (NM_001042723.2).
Identifiers: ClinVar variation 4981234 (VCV004981234.1).

ClinVar aggregate classification (germline): Likely benign (1 of 4 stars; one submission).

Conditions:
RYR1-related disorder. Also called: RYR1-related disorders; RYR1-related condition. Identifiers: MedGen CN239331.

gnomAD v4.1: 24 of 1,596,592 alleles (0.0015%); highest among the groups gnomAD compares: African/African-American, 0.031%; no homozygotes.

Submission:

PreventionGenetics, part of Exact Sciences
Classification: Likely benign for RYR1-related condition. Last evaluated: 2025-11-19. Review status: criteria provided, single submitter. Criteria: ACMG Guidelines, 2015. Collection method: clinical testing. Allele origin: germline.
Comment: This variant is classified as likely benign based on ACMG/AMP sequence variant interpretation guidelines (Richards et al. 2015 PMID: 25741868, with internal and published modifications).